The following is an entry in ClinVar:

ClinVar aggregate classification (germline): Pathogenic (1 of 4 stars; one submission).

Submission:

Labcorp Genetics (formerly Invitae), Labcorp
Classification: Pathogenic. Last evaluated: 2022-06-18. Review status: criteria provided, single submitter. Criteria: Invitae Variant Classification Sherloc (09022015). Collection method: clinical testing. Allele origin: germline.
Comment: This variant is not present in population databases (gnomAD no frequency). This variant has not been reported in the literature in individuals affected with PRPF31-related conditions. For these reasons, this variant has been classified as Pathogenic. This sequence change creates a premature translational stop signal (p.Ile383Thrfs*30) in the PRPF31 gene. It is expected to result in an absent or disrupted protein product. Loss-of-function variants in PRPF31 are known to be pathogenic (PMID: 18317597, 23950152).

Literature cited by the submitters: PubMed 18317597; PubMed 23950152.

NM_015629.4(PRPF31):c.1148del (p.Ile383fs)

Gene: PRPF31 (pre-mRNA processing factor 31; plus strand). Cytogenetic location: 19q13.42.
Variant type: Deletion.
Coding change: c.1148del on transcript NM_015629.4 (MANE Select); coding-DNA position 1148, one base deleted (T; older notation c.1148delT).
Protein change: p.Ile383fs; shifts the reading frame from isoleucine 383.
Molecular consequence: frameshift variant.
Genome position (GRCh38, 1-based): chr19:54,129,058, T deleted. VCF-style (leftmost placement, unchanged base first): chr19-54129057-AT-A. GRCh37 (hg19) VCF-style: chr19-54632432-AT-A.
Other names: short protein forms I383fs.
Identifiers: ClinVar variation 2008112 (VCV002008112.4), dbSNP rs2516204990, ClinGen allele CA2580097791.
Genomic context (GRCh38, chr19:54,129,057, plus strand): 5'-TCGGTGGCTGGAGGGCAGGGCCTGGTCGCTGAACTGCAGGGCGCCTCCTCTCCCCCCTAG[AT>A]CGAGGAGGACGCCTACCAGGAGGACCTGGGATTCAGCCTGGGCCACCTGGGCAAGTCGGG-3'